The following is an entry in ClinVar:

NM_001206927.2(DNAH8):c.12835-4T>C

Gene: DNAH8 (dynein axonemal heavy chain 8; plus strand). Cytogenetic location: 6p21.2.
Variant type: single nucleotide variant.
Coding change: c.12835-4T>C on transcript NM_001206927.2 (MANE Select); 4 bases into the intron before coding-DNA position 12835, T replaced by C.
Molecular consequence: intron variant.
Genome position (GRCh38, 1-based): chr6:38,982,342, T>C. VCF-style: chr6-38982342-T-C. GRCh37 (hg19) VCF-style: chr6-38950118-T-C.
Other names: c.12835-4T>C (NM_001206927.1); c.12184-4T>C (NM_001371.4).
Identifiers: ClinVar variation 2064445 (VCV002064445.6), dbSNP rs374498561, ClinGen allele CA3791480.
Genomic context (GRCh38, chr6:38,982,342, plus strand): 5'-TTTTGATAGCAATAAAAATGGAATCAGGTACATGCAATACTTACTTTTCTTTGGTGTTTT[T>C]AAGGAGCGACGAAAATTTGGCCCCTTAGGATGGAATATTCCCTACGAATTCAATTCTGCT-3'

ClinVar aggregate classification (germline): Likely benign. Review status: criteria provided, single submitter (1 of 4 stars). 2 submissions from 2 submitters: Likely benign (1). 1 of the submissions does not count toward it. Last evaluated 2026-01-19.

Conditions:
DNAH8-related disorder. Also called: DNAH8-related condition.
Primary ciliary dyskinesia. Also called: Ciliary dyskinesia. Identifiers: Orphanet 244, MedGen C0008780, MONDO:0016575, HP:0012265.

Allele frequency attached by ClinVar (database versions not stated): ExAC 0.00003; gnomAD exomes 0.00004; ESP Exome Variant Server 0.00008; gnomAD 0.00010; TOPMed 0.00010.
gnomAD v4.1: 71 of 1,483,950 alleles (0.0048%); highest among the groups gnomAD compares: African/African-American, 0.057%; no homozygotes.

Submissions (2):

Labcorp Genetics (formerly Invitae), Labcorp
Classification: Likely benign for Primary ciliary dyskinesia. Last evaluated: 2026-01-19. Review status: criteria provided, single submitter. Criteria: Invitae Variant Classification Sherloc (09022015). Collection method: clinical testing. Allele origin: germline.

PreventionGenetics, part of Exact Sciences
Classification: Likely benign for DNAH8-related condition. Last evaluated: 2019-05-03. Review status: no assertion criteria provided. Collection method: clinical testing. Allele origin: germline. Not counted in ClinVar's aggregate classification.
Comment: This variant is classified as likely benign based on ACMG/AMP sequence variant interpretation guidelines (Richards et al. 2015 PMID: 25741868, with internal and published modifications).